The following is an entry in ClinVar:

ClinVar aggregate classification (germline): Uncertain significance (1 of 4 stars; one submission).

Conditions:
Early-infantile DEE. Also called: Ohtahara syndrome; Early infantile epileptic encephalopathy with suppression bursts; Early infantile epileptic encephalopathy. Identifiers: Orphanet 1934, MedGen C0393706, MONDO:0800491.

Submission:

Labcorp Genetics (formerly Invitae), Labcorp
Classification: Uncertain significance for Early-infantile DEE. Last evaluated: 2025-04-13. Review status: criteria provided, single submitter. Criteria: Invitae Variant Classification Sherloc (09022015). Collection method: clinical testing. Allele origin: germline.
Comment: This sequence change replaces glutamine, which is neutral and polar, with arginine, which is basic and polar, at codon 517 of the ARHGEF15 protein (p.Gln517Arg). This variant is not present in population databases (gnomAD no frequency). This variant has not been reported in the literature in individuals affected with ARHGEF15-related conditions. An algorithm developed to predict the effect of missense changes on protein structure and function (PolyPhen-2) suggests that this variant is likely to be disruptive. In summary, the available evidence is currently insufficient to determine the role of this variant in disease. Therefore, it has been classified as a Variant of Uncertain Significance.

NM_173728.4(ARHGEF15):c.1550A>G (p.Gln517Arg)

Gene: ARHGEF15 (Rho guanine nucleotide exchange factor 15; plus strand). Cytogenetic location: 17p13.1.
Variant type: single nucleotide variant.
Coding change: c.1550A>G on transcript NM_173728.4 (MANE Select); coding-DNA position 1550, A replaced by G.
Protein change: p.Gln517Arg; replaces glutamine 517 with arginine.
Molecular consequence: missense variant.
Genome position (GRCh38, 1-based): chr17:8,315,883, A>G. VCF-style: chr17-8315883-A-G. GRCh37 (hg19) VCF-style: chr17-8219201-A-G.
Other names: c.1550A>G, p.Gln517Arg (NM_025014.2); short protein forms Q517R.
Identifiers: ClinVar variation 4768671 (VCV004768671.1).
Genomic context (GRCh38, chr17:8,315,883, plus strand): 5'-ATGCCCACGCTGTGGGGCCTTTCTCGGTGTATGTGGATTATGTGCGGAACCAGCAGTATC[A>G]GGAGGAGACCTACAGCCGCCTCATGTGAGTGTCCCAGGGGTGGGGAGGAAGCTGGGGAGA-3'
Protein context (NP_776089.2, residues 507-527): YVDYVRNQQY[Gln517Arg]EETYSRLMDT